The following is an entry in ClinVar:

NM_138694.4(PKHD1):c.3329T>C (p.Ile1110Thr)

Gene: PKHD1 (PKHD1 ciliary IPT domain containing fibrocystin/polyductin; minus strand). Cytogenetic location: 6p12.2.
Variant type: single nucleotide variant.
Coding change: c.3329T>C on transcript NM_138694.4 (MANE Select); coding-DNA position 3329, T replaced by C.
Protein change: p.Ile1110Thr; replaces isoleucine 1110 with threonine.
Molecular consequence: missense variant.
Genome position (GRCh38, 1-based): chr6:52,033,065, A>G on the plus strand (T>C on the coding strand, the complement: PKHD1 is on the minus strand). VCF-style: chr6-52033065-A-G. GRCh37 (hg19) VCF-style: chr6-51897863-A-G.
Other names: p.Ile1110Thr; c.3329T>C, p.Ile1110Thr (NM_170724.3); short protein forms I1110T.
Identifiers: ClinVar variation 592317 (VCV000592317.10), dbSNP rs772369540, ClinGen allele CA3852978.

ClinVar aggregate classification (germline): Uncertain significance. Review status: criteria provided, multiple submitters, no conflicts (2 of 4 stars). 4 submissions from 4 submitters: Uncertain significance (4). Last evaluated 2024-11-04.

Conditions:
Polycystic kidney disease 4 (PKD4). Also called: Autosomal Recessive Polycystic Kidney Disease – PKHD1; POLYCYSTIC KIDNEY DISEASE 4 WITH OR WITHOUT POLYCYSTIC LIVER DISEASE; POLYCYSTIC KIDNEY AND HEPATIC DISEASE 1; POLYCYSTIC KIDNEY DISEASE, INFANTILE, TYPE I; PKD3. Identifiers: MedGen C4540575, MONDO:0033004, OMIM 263200.
Autosomal recessive polycystic kidney disease (ARPKD). Also called: AR polycystic kidney disease. Identifiers: Orphanet 731, Orphanet 8378, MedGen C0085548, MeSH D017044, MONDO:0009889.

Allele frequency attached by ClinVar (database versions not stated): ExAC 0.00001; gnomAD 0.00001; gnomAD exomes 0.00001 and 0.00002; TOPMed 0.00002.
gnomAD v4.1: 6 of 1,612,428 alleles (0.00037%); highest among the groups gnomAD compares: Admixed American, 0.0083%; no homozygotes.

Submissions (4):

Labcorp Genetics (formerly Invitae), Labcorp
Classification: Uncertain significance for Autosomal recessive polycystic kidney disease. Last evaluated: 2024-11-04. Review status: criteria provided, single submitter. Criteria: Invitae Variant Classification Sherloc (09022015). Collection method: clinical testing. Allele origin: germline.
Comment: This sequence change replaces isoleucine, which is neutral and non-polar, with threonine, which is neutral and polar, at codon 1110 of the PKHD1 protein (p.Ile1110Thr). This variant is present in population databases (rs772369540, gnomAD 0.01%). This variant has not been reported in the literature in individuals affected with PKHD1-related conditions. ClinVar contains an entry for this variant (Variation ID: 592317). Invitae Evidence Modeling of protein sequence and biophysical properties (such as structural, functional, and spatial information, amino acid conservation, physicochemical variation, residue mobility, and thermodynamic stability) indicates that this missense variant is expected to disrupt PKHD1 protein function with a positive predictive value of 95%. In summary, the available evidence is currently insufficient to determine the role of this variant in disease. Therefore, it has been classified as a Variant of Uncertain Significance.

Mayo Clinic Laboratories, Mayo Clinic
Classification: Uncertain significance. Last evaluated: 2024-05-17. Review status: criteria provided, single submitter. Criteria: ACMG Guidelines, 2015. Collection method: clinical testing. Allele origin: germline. Observed: 1 variant allele.
Comment: PM2

Fulgent Genetics
Classification: Uncertain significance for Polycystic kidney disease 4. Last evaluated: 2023-12-29. Review status: criteria provided, single submitter. Criteria: ACMG Guidelines, 2015. Collection method: clinical testing. Allele origin: germline.

Eurofins Ntd Llc (ga)
Classification: Uncertain significance. Last evaluated: 2018-04-03. Review status: criteria provided, single submitter. Criteria: EGL ClinVar v180209 classification definitions. Collection method: clinical testing. Allele origin: germline. Observed: 2 variant alleles, 2 heterozygotes.